The following is an entry in ClinVar:

ClinVar aggregate classification (germline): Conflicting classifications of pathogenicity. Review status: criteria provided, conflicting classifications (1 of 4 stars). 5 submissions from 5 submitters: Uncertain significance (3); Benign (2). Last evaluated 2026-01-07.

Conditions:
Hereditary cancer-predisposing syndrome. Also called: Hereditary Cancer Syndrome; Neoplastic Syndromes, Hereditary; Tumor predisposition; Hereditary neoplastic syndrome. Identifiers: Orphanet 140162, MedGen C0027672, MeSH D009386, MONDO:0015356.
BAP1-related tumor predisposition syndrome (TPDS1). Also called: Tumor susceptibility linked to germline BAP1 mutations; BAP1 tumor predisposition syndrome; COMMON Syndrome; TUMOR PREDISPOSITION SYNDROME 1. Identifiers: Orphanet 289539, MedGen C3280492, MONDO:0013692, OMIM 614327.

Allele frequency attached by ClinVar (database versions not stated): TOPMed below 0.00001; gnomAD 0.00001; gnomAD exomes 0.00003 and 0.00004; ExAC 0.00004.
gnomAD v4.1: 38 of 1,613,918 alleles (0.0024%); highest among the groups gnomAD compares: South Asian, 0.038%; no homozygotes.

Submissions (5):

Labcorp Genetics (formerly Invitae), Labcorp
Classification: Uncertain significance for BAP1-related tumor predisposition syndrome. Last evaluated: 2026-01-07. Review status: criteria provided, single submitter. Criteria: Invitae Variant Classification Sherloc (09022015). Collection method: clinical testing. Allele origin: germline.
Comment: This sequence change replaces isoleucine, which is neutral and non-polar, with threonine, which is neutral and polar, at codon 191 of the BAP1 protein (p.Ile191Thr). This variant is present in population databases (rs752793866, gnomAD 0.03%). This variant has not been reported in the literature in individuals affected with BAP1-related conditions. ClinVar contains an entry for this variant (Variation ID: 489637). Invitae Evidence Modeling of protein sequence and biophysical properties (such as structural, functional, and spatial information, amino acid conservation, physicochemical variation, residue mobility, and thermodynamic stability) indicates that this missense variant is expected to disrupt BAP1 protein function with a positive predictive value of 80%. In summary, the available evidence is currently insufficient to determine the role of this variant in disease. Therefore, it has been classified as a Variant of Uncertain Significance.

Color Diagnostics, LLC DBA Color Health
Classification: Benign for Hereditary cancer-predisposing syndrome. Last evaluated: 2025-12-16. Review status: criteria provided, single submitter. Criteria: ACMG Guidelines, 2015. Collection method: clinical testing. Allele origin: germline.

Ambry Genetics
Classification: Benign for Hereditary cancer-predisposing syndrome. Last evaluated: 2023-05-24. Review status: criteria provided, single submitter. Criteria: Ambry Variant Classification Scheme 2023. Collection method: clinical testing. Allele origin: germline.

Department of Pathology and Laboratory Medicine, Sinai Health System
Classification: Uncertain significance for BAP1-related tumor predisposition syndrome. Last evaluated: 2023-02-26. Review status: criteria provided, single submitter. Criteria: ACMG Guidelines, 2015. Collection method: research. Allele origin: germline.

GeneDx
Classification: Uncertain significance. Last evaluated: 2021-05-17. Review status: criteria provided, single submitter. Criteria: GeneDx Variant Classification Process June 2021. Collection method: clinical testing. Allele origin: germline. Affected: yes.
Comment: In silico analysis supports that this missense variant has a deleterious effect on protein structure/function; Has not been previously published as pathogenic or benign to our knowledge

NM_004656.4(BAP1):c.572T>C (p.Ile191Thr)

Gene: BAP1 (BRCA1 associated deubiquitinase 1; minus strand). Cytogenetic location: 3p21.1.
Variant type: single nucleotide variant.
Coding change: c.572T>C on transcript NM_004656.4 (MANE Select); coding-DNA position 572, T replaced by C.
Protein change: p.Ile191Thr; replaces isoleucine 191 with threonine.
Molecular consequence: missense variant.
Genome position (GRCh38, 1-based): chr3:52,407,182, A>G on the plus strand (T>C on the coding strand, the complement: BAP1 is on the minus strand). VCF-style: chr3-52407182-A-G. GRCh37 (hg19) VCF-style: chr3-52441198-A-G.
Other names: c.572T>C (LRG_529t1); short protein forms I191T.
Identifiers: ClinVar variation 489637 (VCV000489637.19), dbSNP rs752793866, ClinGen allele CA2437058.